The following is an entry in ClinVar:

NM_004360.5(CDH1):c.598C>T (p.Pro200Ser)

Gene: CDH1 (cadherin 1; plus strand). Cytogenetic location: 16q22.1.
Variant type: single nucleotide variant.
Coding change: c.598C>T on transcript NM_004360.5 (MANE Select); coding-DNA position 598, C replaced by T.
Protein change: p.Pro200Ser; replaces proline 200 with serine.
Molecular consequence: missense variant. On other transcripts: 5 prime UTR variant (2).
Genome position (GRCh38, 1-based): chr16:68,808,759, C>T. VCF-style: chr16-68808759-C-T. GRCh37 (hg19) VCF-style: chr16-68842662-C-T.
Other names: c.598C>T (NM_004360.3); c.598C>T, p.Pro200Ser (NM_001317184.2); c.-1018C>T (NM_001317185.2); c.-1222C>T (NM_001317186.2); short protein forms P200S.
Identifiers: ClinVar variation 1054938 (VCV001054938.11), dbSNP rs1960738612, ClinGen allele CA396457986.
Genomic context (GRCh38, chr16:68,808,759, plus strand): 5'-TCCAACAAAGACAAAGAAGGCAAGGTTTTCTACAGCATCACTGGCCAAGGAGCTGACACA[C>T]CCCCTGTTGGTGTCTTTATTATTGAAAGAGAAACAGGATGGCTGAAGGTGACAGAGCCTC-3'
Protein context (NP_004351.1, residues 190-210): YSITGQGADT[Pro200Ser]PVGVFIIERE

ClinVar aggregate classification (germline): Uncertain significance. Review status: criteria provided, multiple submitters, no conflicts (2 of 4 stars). 2 submissions from 2 submitters: Uncertain significance (2). Last evaluated 2026-07-06.

Conditions:
Hereditary cancer-predisposing syndrome. Also called: Tumor predisposition; Hereditary Cancer Syndrome; Hereditary neoplastic syndrome; Neoplastic Syndromes, Hereditary. Identifiers: Orphanet 140162, MedGen C0027672, MeSH D009386, MONDO:0015356.
Hereditary diffuse gastric adenocarcinoma (HDGC). Also called: DIFFUSE GASTRIC AND LOBULAR BREAST CANCER SYNDROME. Identifiers: Orphanet 26106, MedGen C1708349, MONDO:0007648, OMIM 137215.

Submissions (2):

Ambry Genetics
Classification: Uncertain significance for Hereditary cancer-predisposing syndrome. Last evaluated: 2026-07-06. Review status: criteria provided, single submitter. Criteria: Ambry Variant Classification Scheme 2023. Collection method: clinical testing. Allele origin: germline.
Comment: The p.P200S variant (also known as c.598C>T), located in coding exon 5 of the CDH1 gene, results from a C to T substitution at nucleotide position 598. The proline at codon 200 is replaced by serine, an amino acid with similar properties. This amino acid position is conserved. In addition, the in silico prediction for this alteration is inconclusive. Based on the available evidence, the clinical significance of this variant remains unclear.

Labcorp Genetics (formerly Invitae), Labcorp
Classification: Uncertain significance for Hereditary diffuse gastric adenocarcinoma. Last evaluated: 2020-01-19. Review status: criteria provided, single submitter. Criteria: Invitae Variant Classification Sherloc (09022015). Collection method: clinical testing. Allele origin: germline.
Comment: In summary, the available evidence is currently insufficient to determine the role of this variant in disease. Therefore, it has been classified as a Variant of Uncertain Significance. Algorithms developed to predict the effect of missense changes on protein structure and function are either unavailable or do not agree on the potential impact of this missense change (SIFT: "Tolerated"; PolyPhen-2: "Probably Damaging"; Align-GVGD: "Class C0"). This variant has not been reported in the literature in individuals with CDH1-related conditions. This variant is not present in population databases (ExAC no frequency). This sequence change replaces proline with serine at codon 200 of the CDH1 protein (p.Pro200Ser). The proline residue is highly conserved and there is a moderate physicochemical difference between proline and serine.